The following is an entry in ClinVar:

ClinVar aggregate classification (germline): Uncertain significance (1 of 4 stars; one submission).

Conditions:
Fetal akinesia deformation sequence 1 (FADS1). Also called: Pena-Shokeir syndrome type I; Fetal akinesia sequence. Identifiers: Orphanet 994, MedGen C1276035, MONDO:0100101, OMIM 208150, HP:0001989.
Congenital myasthenic syndrome 11. Also called: Myasthenic syndrome, congenital, 11, associated with acetylcholine receptor deficiency; MYASTHENIC SYNDROME, CONGENITAL, Ie. Identifiers: Orphanet 590, MedGen C4225367, MONDO:0014588, OMIM 616326.

Allele frequency attached by ClinVar (database versions not stated): gnomAD 0.00010; 1000 Genomes Project 0.00020; 1000 Genomes Project 30x 0.00031; ExAC 0.00002; TOPMed 0.00008.
gnomAD v4.1: 47 of 1,588,916 alleles (0.003%); highest among the groups gnomAD compares: African/African-American, 0.019%; no homozygotes.

Submission:

Labcorp Genetics (formerly Invitae), Labcorp
Classification: Uncertain significance for Congenital myasthenic syndrome 11; Fetal akinesia deformation sequence 1. Last evaluated: 2024-10-22. Review status: criteria provided, single submitter. Criteria: Invitae Variant Classification Sherloc (09022015). Collection method: clinical testing. Allele origin: germline.
Comment: This sequence change replaces arginine, which is basic and polar, with glutamine, which is neutral and polar, at codon 257 of the RAPSN protein (p.Arg257Gln). The frequency data for this variant in the population databases is considered unreliable, as metrics indicate poor data quality at this position in the gnomAD database. This variant has not been reported in the literature in individuals affected with RAPSN-related conditions. ClinVar contains an entry for this variant (Variation ID: 2154397). Invitae Evidence Modeling of protein sequence and biophysical properties (such as structural, functional, and spatial information, amino acid conservation, physicochemical variation, residue mobility, and thermodynamic stability) indicates that this missense variant is expected to disrupt RAPSN protein function with a positive predictive value of 95%. In summary, the available evidence is currently insufficient to determine the role of this variant in disease. Therefore, it has been classified as a Variant of Uncertain Significance.

NM_005055.5(RAPSN):c.770G>A (p.Arg257Gln)

Gene: RAPSN (receptor associated protein of the synapse; minus strand). Cytogenetic location: 11p11.2.
Variant type: single nucleotide variant.
Coding change: c.770G>A on transcript NM_005055.5 (MANE Select); coding-DNA position 770, G replaced by A.
Protein change: p.Arg257Gln; replaces arginine 257 with glutamine.
Molecular consequence: missense variant.
Genome position (GRCh38, 1-based): chr11:47,441,842, C>T on the plus strand (G>A on the coding strand, the complement: RAPSN is on the minus strand). VCF-style: chr11-47441842-C-T. GRCh37 (hg19) VCF-style: chr11-47463394-C-T.
Other names: c.770G>A, p.Arg257Gln (NM_032645.5); short protein forms R257Q.
Identifiers: ClinVar variation 2154397 (VCV002154397.2), dbSNP rs200066826, ClinGen allele CA5976645.